The following is an entry in ClinVar:

NM_020166.5(MCCC1):c.1870-2A>G

Gene: MCCC1 (methylcrotonyl-CoA carboxylase subunit 1; minus strand). Cytogenetic location: 3q27.1.
Variant type: single nucleotide variant.
Coding change: c.1870-2A>G on transcript NM_020166.5 (MANE Select); the canonical splice acceptor site of the intron before coding-DNA position 1870, A replaced by G.
Molecular consequence: splice acceptor variant.
Genome position (GRCh38, 1-based): chr3:183,020,239, T>C on the plus strand (A>G on the coding strand, the complement: MCCC1 is on the minus strand). VCF-style: chr3-183020239-T-C. GRCh37 (hg19) VCF-style: chr3-182738027-T-C.
Other names: c.1870-2A>G (NM_020166.4); c.1543-2A>G (NM_001363880.1); c.1519-2A>G (NM_001293273.2).
Identifiers: ClinVar variation 2177386 (VCV002177386.6), dbSNP rs2530032320, ClinGen allele CA355315513.
Genomic context (GRCh38, chr3:183,020,239, plus strand): 5'-TGTGAGCTCACAGAAGATAAGTATTTGGGGACTGGAATGTCAATCTCAATACTTCCTTCC[T>C]AGAAACAGAAAACAAACTGAAAACCGAATCAACATCCTATCACTATATTTTTACTAATAT-3'

ClinVar aggregate classification (germline): Likely pathogenic. Review status: criteria provided, multiple submitters, no conflicts (2 of 4 stars). 3 submissions from 3 submitters: Likely pathogenic (3). Last evaluated 2026-01-16.

Conditions:
3-methylcrotonyl-CoA carboxylase 1 deficiency (MCC1D). Also called: MCCD TYPE 1; METHYLCROTONYLGLYCINURIA TYPE I; MCC 1 deficiency; 3 Alpha methylcrotonylglycinuria 1. Identifiers: Orphanet 6, MedGen CN028786, MONDO:0008861, OMIM 210200.

Allele frequency attached by ClinVar (database versions not stated): gnomAD exomes below 0.00001.
gnomAD v4.1: 1 of 1,609,288 alleles (0.000062%); highest among the groups gnomAD compares: Non-Finnish European, 0.000085%; no homozygotes.

Submissions (3):

Natera, Inc.
Classification: Likely pathogenic for 3-methylcrotonyl-CoA carboxylase 1 deficiency. Last evaluated: 2026-01-16. Review status: criteria provided, single submitter. Criteria: Natera Variant Classification Schema (03/2026). Collection method: clinical testing. Allele origin: germline.
Comment: The c.1870-2A>G variant in MCCC1 is a canonical splice acceptor site variant predicted to affect pre-mRNA splicing, which may result in an abnormal transcript and altered protein product. This variant is expected to result in nonsense mediated decay, truncation, or a dysfunctional protein product. This variant is rare in the general population with a frequency below the threshold expected for the associated phenotype(s). Given the available evidence, this variant is classified as Likely Pathogenic.

Baylor Genetics
Classification: Likely pathogenic for 3-methylcrotonyl-CoA carboxylase 1 deficiency. Last evaluated: 2024-02-29. Review status: criteria provided, single submitter. Criteria: ACMG Guidelines, 2015. Collection method: clinical testing. Allele origin: unknown.

Labcorp Genetics (formerly Invitae), Labcorp
Classification: Likely pathogenic for 3-methylcrotonyl-CoA carboxylase 1 deficiency. Last evaluated: 2022-08-16. Review status: criteria provided, single submitter. Criteria: Invitae Variant Classification Sherloc (09022015). Collection method: clinical testing. Allele origin: germline.
Comment: This sequence change affects an acceptor splice site in intron 16 of the MCCC1 gene. It is expected to disrupt RNA splicing. Variants that disrupt the donor or acceptor splice site typically lead to a loss of protein function (PMID: 16199547), and loss-of-function variants in MCCC1 are known to be pathogenic (PMID: 11181649, 15359379, 22642865). This variant is not present in population databases (gnomAD no frequency). This variant has not been reported in the literature in individuals affected with MCCC1-related conditions. Algorithms developed to predict the effect of sequence changes on RNA splicing suggest that this variant may disrupt the consensus splice site. In summary, the currently available evidence indicates that the variant is pathogenic, but additional data are needed to prove that conclusively. Therefore, this variant has been classified as Likely Pathogenic.

Literature cited by the submitters: PubMed 16199547 (cited by Labcorp Genetics (formerly Invitae), Labcorp); PubMed 11181649 (cited by Labcorp Genetics (formerly Invitae), Labcorp); PubMed 15359379 (cited by Labcorp Genetics (formerly Invitae), Labcorp); PubMed 22642865 (cited by Labcorp Genetics (formerly Invitae), Labcorp).